The following is an entry in ClinVar:

ClinVar aggregate classification (germline): Uncertain significance (1 of 4 stars; one submission).

gnomAD v4.1: 2 of 1,614,096 alleles (0.00012%); highest among the groups gnomAD compares: East Asian, 0.0045%; no homozygotes.

Submission:

GeneDx
Classification: Uncertain significance. Last evaluated: 2024-01-20. Review status: criteria provided, single submitter. Criteria: GeneDx Variant Classification Process June 2021. Collection method: clinical testing. Allele origin: germline. Affected: yes.
Comment: Not observed at significant frequency in large population cohorts (gnomAD); In silico analysis supports that this missense variant does not alter protein structure/function; Has not been previously published as pathogenic or benign to our knowledge

NM_001429.4(EP300):c.6845A>G (p.Gln2282Arg)

Gene: EP300 (E1A binding protein p300; plus strand). Cytogenetic location: 22q13.2.
Variant type: single nucleotide variant.
Coding change: c.6845A>G on transcript NM_001429.4 (MANE Select); coding-DNA position 6845, A replaced by G.
Protein change: p.Gln2282Arg; replaces glutamine 2282 with arginine.
Molecular consequence: missense variant.
Genome position (GRCh38, 1-based): chr22:41,178,556, A>G. VCF-style: chr22-41178556-A-G. GRCh37 (hg19) VCF-style: chr22-41574560-A-G.
Other names: c.6767A>G, p.Gln2256Arg (NM_001362843.2); short protein forms Q2256R, Q2282R.
Identifiers: ClinVar variation 3368179 (VCV003368179.1).